The following is an entry in ClinVar:

NM_018706.7(DHTKD1):c.307G>T (p.Ala103Ser)

Gene: DHTKD1 (dehydrogenase E1 and transketolase domain containing 1; plus strand). Cytogenetic location: 10p14.
Variant type: single nucleotide variant.
Coding change: c.307G>T on transcript NM_018706.7 (MANE Select); coding-DNA position 307, G replaced by T.
Protein change: p.Ala103Ser; replaces alanine 103 with serine.
Molecular consequence: missense variant.
Genome position (GRCh38, 1-based): chr10:12,081,624, G>T. VCF-style: chr10-12081624-G-T. GRCh37 (hg19) VCF-style: chr10-12123623-G-T.
Other names: c.307G>T (NM_018706.5); short protein forms A103S.
Identifiers: ClinVar variation 806435 (VCV000806435.48), dbSNP rs35442324, ClinGen allele CA5407497.

ClinVar aggregate classification (germline): Conflicting classifications of pathogenicity. Review status: criteria provided, conflicting classifications (1 of 4 stars). 3 submissions from 3 submitters: Uncertain significance (2); Likely benign (1). Last evaluated 2025-12-01.

Conditions:
2-aminoadipic 2-oxoadipic aciduria (AAKAD). Also called: Aminoadipic aciduria; ALPHA-AMINOADIPIC AND ALPHA-KETOADIPIC ACIDURIA. Identifiers: Orphanet 79154, MedGen C1859817, MONDO:0008774, OMIM 204750.
Inborn genetic diseases. Identifiers: MedGen C0950123, MeSH D030342.

Allele frequency attached by ClinVar (database versions not stated): ESP Exome Variant Server 0.00008; gnomAD 0.00009 and 0.00011; gnomAD exomes 0.00010 and 0.00013; TOPMed 0.00011; ExAC 0.00010.
gnomAD v4.1: 204 of 1,613,998 alleles (0.013%); highest among the groups gnomAD compares: Non-Finnish European, 0.016%; no homozygotes.

Submissions (3):

Labcorp Genetics (formerly Invitae), Labcorp
Classification: Uncertain significance for 2-aminoadipic 2-oxoadipic aciduria. Last evaluated: 2025-12-01. Review status: criteria provided, single submitter. Criteria: Invitae Variant Classification Sherloc (09022015). Collection method: clinical testing. Allele origin: germline.
Comment: This sequence change replaces alanine, which is neutral and non-polar, with serine, which is neutral and polar, at codon 103 of the DHTKD1 protein (p.Ala103Ser). This variant is present in population databases (rs35442324, gnomAD 0.02%). This variant has not been reported in the literature in individuals affected with DHTKD1-related conditions. ClinVar contains an entry for this variant (Variation ID: 806435). Invitae Evidence Modeling of protein sequence and biophysical properties (such as structural, functional, and spatial information, amino acid conservation, physicochemical variation, residue mobility, and thermodynamic stability) indicates that this missense variant is not expected to disrupt DHTKD1 protein function with a negative predictive value of 80%. In summary, the available evidence is currently insufficient to determine the role of this variant in disease. Therefore, it has been classified as a Variant of Uncertain Significance.

Ambry Genetics
Classification: Uncertain significance for Inborn genetic diseases. Last evaluated: 2022-09-06. Review status: criteria provided, single submitter. Criteria: Ambry Variant Classification Scheme 2023. Collection method: clinical testing. Allele origin: germline.

CeGaT Center for Human Genetics Tuebingen
Classification: Likely benign. Last evaluated: 2021-01-01. Review status: criteria provided, single submitter. Criteria: CeGaT Center For Human Genetics Tuebingen Variant Classification Criteria Version 2. Collection method: clinical testing. Allele origin: germline. Affected: yes. Observed: 2 variant alleles.